The following is an entry in ClinVar:

ClinVar aggregate classification (germline): Uncertain significance (1 of 4 stars; one submission).

Conditions:
Cardiovascular phenotype. Identifiers: MedGen CN230736.

gnomAD v4.1: 4 of 1,613,852 alleles (0.00025%); highest among the groups gnomAD compares: Non-Finnish European, 0.00034%; no homozygotes.

Submission:

Ambry Genetics
Classification: Uncertain significance for Cardiovascular phenotype. Last evaluated: 2024-07-11. Review status: criteria provided, single submitter. Criteria: Ambry Variant Classification Scheme 2023. Collection method: clinical testing. Allele origin: germline.
Comment: The p.S469F variant (also known as c.1406C>T), located in coding exon 9 of the ABCG8 gene, results from a C to T substitution at nucleotide position 1406. The serine at codon 469 is replaced by phenylalanine, an amino acid with highly dissimilar properties. This amino acid position is conserved. In addition, this alteration is predicted to be tolerated by in silico analysis. Based on the available evidence, the clinical significance of this variant remains unclear.

NM_022437.3(ABCG8):c.1406C>T (p.Ser469Phe)

Gene: ABCG8 (ATP binding cassette subfamily G member 8; plus strand). Cytogenetic location: 2p21.
Variant type: single nucleotide variant.
Coding change: c.1406C>T on transcript NM_022437.3 (MANE Select); coding-DNA position 1406, C replaced by T.
Protein change: p.Ser469Phe; replaces serine 469 with phenylalanine.
Molecular consequence: missense variant.
Genome position (GRCh38, 1-based): chr2:43,873,981, C>T. VCF-style: chr2-43873981-C-T. GRCh37 (hg19) VCF-style: chr2-44101120-C-T.
Other names: c.1403C>T, p.Ser468Phe (NM_001357321.2); short protein forms S468F, S469F.
Identifiers: ClinVar variation 3418851 (VCV003418851.1).